The following is an entry in ClinVar:

ClinVar aggregate classification (germline): Uncertain significance (1 of 4 stars; one submission).

Submission:

Ambry Genetics
Classification: Uncertain significance. Last evaluated: 2023-03-31. Review status: criteria provided, single submitter. Criteria: Ambry Variant Classification Scheme 2023. Collection method: clinical testing. Allele origin: germline.
Comment: The p.E256G variant (also known as c.767A>G) is located in coding exon 8 of the RAD54L gene. The glutamic acid at codon 256 is replaced by glycine, an amino acid with similar properties. This change occurs in the first base pair of coding exon 8. This amino acid position is conserved. In addition, this alteration is predicted to be tolerated by in silico analysis. Since supporting evidence is limited at this time, the clinical significance of this alteration remains unclear.

NM_003579.4(RAD54L):c.767A>G (p.Glu256Gly)

Gene: RAD54L (RAD54 like; plus strand). Cytogenetic location: 1p34.1.
Variant type: single nucleotide variant.
Coding change: c.767A>G on transcript NM_003579.4 (MANE Select); coding-DNA position 767, A replaced by G.
Protein change: p.Glu256Gly; replaces glutamic acid 256 with glycine.
Molecular consequence: missense variant.
Genome position (GRCh38, 1-based): chr1:46,261,261, A>G. VCF-style: chr1-46261261-A-G. GRCh37 (hg19) VCF-style: chr1-46726933-A-G.
Other names: c.767A>G, p.Glu256Gly (NM_001142548.2); c.227A>G, p.Glu76Gly (NM_001370766.1); short protein forms E256G, E76G.
Identifiers: ClinVar variation 2561502 (VCV002561502.2), dbSNP rs141167466, ClinGen allele CA340188399.
Genomic context (GRCh38, chr1:46,261,261, plus strand): 5'-TTTGTTTTTTTTTTTTTCAAAAGATTCTGAATTGTTCCCTTTACACCTTTTCTGTTGTAG[A>G]AGGATTCATGAACCAGCGTGGAGCCAGGGTGTCTTCTCCCATCCTCATCATTTCCTATGA-3'
Protein context (NP_003570.2, residues 246-266): GSKDEIDQKL[Glu256Gly]GFMNQRGARV